The following is an entry in ClinVar:

ClinVar aggregate classification (germline): Uncertain significance (1 of 4 stars; one submission).

Conditions:
Galactosylceramide beta-galactosidase deficiency. Also called: Leukodystrophy, Globoid Cell; Krabbe Disease; GALACTOCEREBROSIDASE DEFICIENCY; GALC DEFICIENCY; GLOBOID CELL LEUKOENCEPHALOPATHY. Identifiers: Orphanet 487, MedGen C0023521, MONDO:0009499, OMIM 245200.

Submission:

Labcorp Genetics (formerly Invitae), Labcorp
Classification: Uncertain significance for Galactosylceramide beta-galactosidase deficiency. Last evaluated: 2023-05-21. Review status: criteria provided, single submitter. Criteria: Invitae Variant Classification Sherloc (09022015). Collection method: clinical testing. Allele origin: germline.
Comment: This variant is not present in population databases (gnomAD no frequency). In summary, the available evidence is currently insufficient to determine the role of this variant in disease. Therefore, it has been classified as a Variant of Uncertain Significance. Advanced modeling of protein sequence and biophysical properties (such as structural, functional, and spatial information, amino acid conservation, physicochemical variation, residue mobility, and thermodynamic stability) performed at Invitae indicates that this missense variant is not expected to disrupt GALC protein function. This variant has not been reported in the literature in individuals affected with GALC-related conditions. This sequence change replaces histidine, which is basic and polar, with arginine, which is basic and polar, at codon 669 of the GALC protein (p.His669Arg).

NM_000153.4(GALC):c.2006A>G (p.His669Arg)

Gene: GALC (galactosylceramidase; minus strand). Cytogenetic location: 14q31.3.
Variant type: single nucleotide variant.
Coding change: c.2006A>G on transcript NM_000153.4 (MANE Select); coding-DNA position 2006, A replaced by G.
Protein change: p.His669Arg; replaces histidine 669 with arginine.
Molecular consequence: missense variant. On other transcripts: non-coding transcript variant (1), intron variant (1).
Genome position (GRCh38, 1-based): chr14:87,934,784, T>C on the plus strand (A>G on the coding strand, the complement: GALC is on the minus strand). VCF-style: chr14-87934784-T-C. GRCh37 (hg19) VCF-style: chr14-88401128-T-C.
Other names: c.1937A>G, p.His646Arg (NM_001201401.2); c.1928A>G, p.His643Arg (NM_001201402.2); c.1838A>G, p.His613Arg (NM_001424071.1, NM_001424072.1); c.1658A>G, p.His553Arg (NM_001424074.1, NM_001424075.1); c.1373A>G, p.His458Arg (NM_001424076.1, NM_001424077.1); c.1744-785A>G (NM_001424073.1); short protein forms H553R, H646R, H458R, H613R, H643R, H669R.
Identifiers: ClinVar variation 2864057 (VCV002864057.3), dbSNP rs1595183565, ClinGen allele CA390745181.